The following is an entry in ClinVar:

ClinVar aggregate classification (germline): Benign/Likely benign. Review status: criteria provided, multiple submitters, no conflicts (2 of 4 stars). 6 submissions from 6 submitters: Benign (1); Likely benign (4). 1 of the submissions does not count toward it. Last evaluated 2026-02-03.

Conditions:
Congenital defect of folate absorption. Also called: Hereditary Folate Malabsorption. Identifiers: Orphanet 90045, MedGen C0342705, MONDO:0009238, OMIM 229050.
SLC46A1-related disorder. Also called: SLC46A1-related condition.

Allele frequency attached by ClinVar (database versions not stated): gnomAD exomes 0.00059 and 0.00026; ExAC 0.00075; 1000 Genomes Project 0.00240; gnomAD 0.00241 and 0.00263; 1000 Genomes Project 30x 0.00250; TOPMed 0.00262; ESP Exome Variant Server 0.00281.
gnomAD v4.1: 769 of 1,613,860 alleles (0.048%); highest among the groups gnomAD compares: African/African-American, 0.75%; 1 homozygote.

Submissions (6):

Labcorp Genetics (formerly Invitae), Labcorp
Classification: Likely benign. Last evaluated: 2026-02-03. Review status: criteria provided, single submitter. Criteria: Invitae Variant Classification Sherloc (09022015). Collection method: clinical testing. Allele origin: germline.

Blueprint Genetics
Classification: Likely benign. Last evaluated: 2024-10-21. Review status: criteria provided, single submitter. Criteria: ACMG Guidelines, 2015. Collection method: clinical testing. Allele origin: germline.

Women's Health and Genetics/Laboratory Corporation of America, LabCorp
Classification: Likely benign. Last evaluated: 2023-12-13. Review status: criteria provided, single submitter. Criteria: LabCorp Variant Classification Summary - May 2015. Collection method: clinical testing. Allele origin: germline.
Comment: Variant summary: SLC46A1 c.883A>G (p.Thr295Ala) results in a non-conservative amino acid change located in the Major facilitator superfamily domain of the encoded protein sequence. Four of five in-silico tools predict a benign effect of the variant on protein function. The variant allele was found at a frequency of 0.00059 in 249262 control chromosomes, predominantly at a frequency of 0.0073 within the African or African-American subpopulation in the gnomAD database. The observed variant frequency within African or African-American control individuals in the gnomAD database is approximately 7 fold of the estimated maximal expected allele frequency for a pathogenic variant in SLC46A1 causing Congenital Defect Of Folate Absorption phenotype (0.0011), strongly suggesting that the variant is a benign polymorphism found primarily in populations of African or African-American origin. To our knowledge, no occurrence of c.883A>G in individuals affected with Congenital Defect Of Folate Absorption and no experimental evidence demonstrating its impact on protein function have been reported. Two submitters have cited clinical-significance assessments for this variant to ClinVar after 2014. All submitters classified the variant as benign/likely benign. Based on the evidence outlined above, the variant was classified as likely benign.

Illumina Laboratory Services, Illumina
Classification: Benign for Congenital defect of folate absorption. Last evaluated: 2017-04-28. Review status: criteria provided, single submitter. Criteria: ICSL Variant Classification Criteria 13 December 2019. Collection method: clinical testing. Allele origin: germline.
Comment: This variant was observed as part of a predisposition screen in an ostensibly healthy population. A literature search was performed for the gene, cDNA change, and amino acid change (where applicable). No publications were found based on this search. Allele frequency data from public databases was too high to be consistent with this variant causing disease. Therefore, this variant is classified as benign.

Breakthrough Genomics
Classification: Likely benign. Review status: criteria provided, single submitter. Criteria: ACMG Guidelines, 2015. Collection method: not provided. Allele origin: germline. Inheritance: Autosomal recessive inheritance. Affected: yes.

PreventionGenetics, part of Exact Sciences
Classification: Benign for SLC46A1-related condition. Last evaluated: 2023-09-21. Review status: no assertion criteria provided. Collection method: clinical testing. Allele origin: germline. Not counted in ClinVar's aggregate classification.
Comment: This variant is classified as benign based on ACMG/AMP sequence variant interpretation guidelines (Richards et al. 2015 PMID: 25741868, with internal and published modifications).

NM_080669.6(SLC46A1):c.883A>G (p.Thr295Ala)

Gene: SLC46A1 (solute carrier family 46 member 1; minus strand). Cytogenetic location: 17q11.2.
Variant type: single nucleotide variant.
Coding change: c.883A>G on transcript NM_080669.6 (MANE Select); coding-DNA position 883, A replaced by G.
Protein change: p.Thr295Ala; replaces threonine 295 with alanine.
Molecular consequence: missense variant.
Genome position (GRCh38, 1-based): chr17:28,404,814, T>C on the plus strand (A>G on the coding strand, the complement: SLC46A1 is on the minus strand). VCF-style: chr17-28404814-T-C. GRCh37 (hg19) VCF-style: chr17-26731832-T-C.
Other names: c.883A>G, p.Thr295Ala (NM_001242366.3); short protein forms T295A.
Identifiers: ClinVar variation 769912 (VCV000769912.18), dbSNP rs34552966, ClinGen allele CA8458264.